The following is an entry in ClinVar:

NM_000077.5(CDKN2A):c.458-21T>C

Gene: CDKN2A (cyclin dependent kinase inhibitor 2A; minus strand). Cytogenetic location: 9p21.3.
Variant type: single nucleotide variant.
Coding change: c.458-21T>C on transcript NM_000077.5 (MANE Select); 21 bases into the intron before coding-DNA position 458, T replaced by C.
Molecular consequence: intron variant.
Genome position (GRCh38, 1-based): chr9:21,968,263, A>G on the plus strand (T>C on the coding strand, the complement: CDKN2A is on the minus strand). VCF-style: chr9-21968263-A-G. GRCh37 (hg19) VCF-style: chr9-21968262-A-G.
Other names: c.305-21T>C (NM_001363763.2); c.*102-21T>C (NM_058195.4); c.*151-21T>C (NM_001195132.2); c.*381-21T>C (NM_058197.5).
Identifiers: ClinVar variation 4294112 (VCV004294112.1).
Genomic context (GRCh38, chr9:21,968,263, plus strand): 5'-GGTTTCTCAGAGCCTCTCTGGTTCTTTCAATCGGGGATGTCTGCAGAGGGCAGAAAGAAA[A>G]CAGGCGTTAGAAACCTGAGGTCAAAGATGTGTGGCACATCCCGCCCTCCTCTCTTGCCGT-3'

ClinVar aggregate classification (germline): Benign (1 of 4 stars; one submission).

Conditions:
Melanoma-pancreatic cancer syndrome. Identifiers: Orphanet 404560, MedGen C1838547, MONDO:0011713, OMIM 606719. Disease mechanism: loss of function.

Submission:

Myriad Genetics, Inc.
Classification: Benign for Melanoma-pancreatic cancer syndrome. Last evaluated: 2025-08-18. Review status: criteria provided, single submitter. Criteria: Myriad Autosomal Dominant, Autosomal Recessive and X-Linked Classification Criteria (2023). Collection method: clinical testing. Allele origin: unknown.
Comment: This variant is considered benign. This variant is intronic and is not expected to impact mRNA splicing.